The following is an entry in ClinVar:

NM_032638.5(GATA2):c.1085G>C (p.Arg362Pro)

Gene: GATA2 (GATA binding protein 2; minus strand). Cytogenetic location: 3q21.3.
Variant type: single nucleotide variant.
Coding change: c.1085G>C on transcript NM_032638.5 (MANE Select); coding-DNA position 1085, G replaced by C.
Protein change: p.Arg362Pro; replaces arginine 362 with proline.
Molecular consequence: missense variant.
Genome position (GRCh38, 1-based): chr3:128,481,877, C>G on the plus strand (G>C on the coding strand, the complement: GATA2 is on the minus strand). VCF-style: chr3-128481877-C-G. GRCh37 (hg19) VCF-style: chr3-128200720-C-G.
Other names: c.1085G>C, p.Arg362Pro (NM_001145661.2); c.1043G>C, p.Arg348Pro (NM_001145662.1); c.1085G>C (NM_001145661.1); short protein forms R348P, R362P.
Identifiers: ClinVar variation 1184157 (VCV001184157.3), dbSNP rs867160952, ClinGen allele CA354413571.
Genomic context (GRCh38, chr3:128,481,877, plus strand): 5'-ACATTGTGCAGCTTGTAGTAGAGGCCACAGGCGTTGCAGACAGGGTCCCCGTTGGCGTTT[C>G]GGCGCCATAAGGTGGTGGTTGTCGTCTGACAATTTGCACAACAGGTGCCGGCTCTTCTGG-3'
Protein context (NP_116027.2, residues 352-372): CQTTTTTLWR[Arg362Pro]NANGDPVCNA

ClinVar aggregate classification (germline): Likely pathogenic. Review status: criteria provided, multiple submitters, no conflicts (2 of 4 stars). 3 submissions from 3 submitters: Likely pathogenic (2). 1 of the submissions does not count toward it. Last evaluated 2024-03-29.

Conditions:
GATA2-related disorder. Also called: GATA2-Related Disorders; GATA2-related condition.
Deafness-lymphedema-leukemia syndrome. Also called: Emberger syndrome; Lymphedema, primary, with myelodysplasia. Identifiers: Orphanet 3226, MedGen C3279664, MONDO:0013540, OMIM 614038.
GATA2 deficiency with susceptibility to MDS/AML. Identifiers: MedGen CN300066, MONDO:0042982.

Submissions (3):

ARUP Laboratories, Molecular Genetics and Genomics, ARUP Laboratories
Classification: Likely pathogenic. Last evaluated: 2024-03-29. Review status: criteria provided, single submitter. Criteria: ARUP Molecular Germline Variant Investigation Process 2024. Collection method: clinical testing. Allele origin: germline.
Comment: The GATA2 c.1085G>C; p.Arg362Pro variant (rs867160952) is reported in the literature in a family with GATA2 deficiency (Donadieu 2018). It has also been reported in three individuals affected with pediatric AML, including once as a confirmed somatic variant (Luesink 2012, Shiba 2014). This variant is also reported in ClinVar (Variation ID: 1184157). This variant is absent from the Genome Aggregation Database (v2.1.1), indicating it is not a common polymorphism. Computational analyses predict that this variant is deleterious (REVEL: 0.978). Based on available information, this variant is considered to be likely pathogenic. References: Donadieu J et al. Natural history of GATA2 deficiency in a survey of 79 French and Belgian patients. Haematologica. 2018 Aug. PMID: 29724903. Luesink M et al. High GATA2 expression is a poor prognostic marker in pediatric acute myeloid leukemia. Blood. 2012 Sep 6. PMID: 22786876. Shiba N et al. Mutations of the GATA2 and CEBPA genes in paediatric acute myeloid leukaemia. Br J Haematol. 2014 Jan. PMID: 24033149.

Molecular Pathology Research Laboratory, SA Pathology
Classification: Likely pathogenic for GATA2 deficiency with susceptibility to MDS/AML; Deafness-lymphedema-leukemia syndrome. Last evaluated: 2021-07-06. Review status: criteria provided, single submitter. Criteria: ACMG Guidelines, 2015. Collection method: curation. Allele origin: germline. Inheritance: Autosomal dominant inheritance. Affected: yes. Observed: 2 variant alleles.
Comment: PS4_Moderate, PM1, PM2, PP3

PreventionGenetics, part of Exact Sciences
Classification: Pathogenic for GATA2-related condition. Last evaluated: 2024-05-18. Review status: no assertion criteria provided. Collection method: clinical testing. Allele origin: germline. Not counted in ClinVar's aggregate classification.
Comment: The GATA2 c.1085G>C variant is predicted to result in the amino acid substitution p.Arg362Pro. This variant has been reported in two siblings with Myelodysplastic Syndrome (MDS) and Acute Myeloid Leukemia (AML) (Donadieu et al. 2018. PubMed ID: 29724903. Supplementary data). This variant has also been reported in individuals with pediatric AML (Luesink et al. 2012. PubMed ID: 22786876). Functional study showed that this variant could weaken differentiation-regulatory activity (Katsumura et al. 2024. PubMed ID: 38422019). Different missense substitutions at this same codon (p.Arg362Gln; p.Arg362Gly) have been reported in individuals with GATA2-related conditions (Weinberg et al. 2019. PubMed ID: 31309983; Luesink et al. 2012. PubMed ID: 22786876) suggesting that substitution of amino acid residue p.Arg362 is not tolerated. This variant has not been reported in a large population database, indicating this variant is rare. This variant is interpreted as pathogenic.

Literature cited by the submitters: PubMed 29724903 (cited by Molecular Pathology Research Laboratory, SA Pathology).